The following is an entry in ClinVar:

ClinVar aggregate classification (germline): Uncertain significance (1 of 4 stars; one submission).

Conditions:
Long QT syndrome (LQTS). Identifiers: MedGen C0023976, MeSH D008133, MONDO:0002442. Disease mechanism: loss of function. Inheritance: Various modes of inheritance.

gnomAD v4.1: 1 of 1,613,370 alleles (0.000062%); highest among the groups gnomAD compares: South Asian, 0.0011%; no homozygotes.

Submission:

Labcorp Genetics (formerly Invitae), Labcorp
Classification: Uncertain significance for Long QT syndrome. Last evaluated: 2023-06-17. Review status: criteria provided, single submitter. Criteria: Invitae Variant Classification Sherloc (09022015). Collection method: clinical testing. Allele origin: germline.
Comment: In summary, the available evidence is currently insufficient to determine the role of this variant in disease. Therefore, it has been classified as a Variant of Uncertain Significance. An algorithm developed to predict the effect of missense changes on protein structure and function (PolyPhen-2) suggests that this variant is likely to be disruptive. This variant has not been reported in the literature in individuals affected with AKAP9-related conditions. This variant is present in population databases (no rsID available, gnomAD 0.003%). This sequence change replaces lysine, which is basic and polar, with threonine, which is neutral and polar, at codon 290 of the AKAP9 protein (p.Lys290Thr).

NM_005751.5(AKAP9):c.869A>C (p.Lys290Thr)

Gene: AKAP9 (A-kinase anchoring protein 9; plus strand). Cytogenetic location: 7q21.2.
Variant type: single nucleotide variant.
Coding change: c.869A>C on transcript NM_005751.5 (MANE Select); coding-DNA position 869, A replaced by C.
Protein change: p.Lys290Thr; replaces lysine 290 with threonine.
Molecular consequence: missense variant.
Genome position (GRCh38, 1-based): chr7:91,995,739, A>C. VCF-style: chr7-91995739-A-C. GRCh37 (hg19) VCF-style: chr7-91625053-A-C.
Other names: c.869A>C, p.Lys290Thr (NM_147185.3); short protein forms K290T.
Identifiers: ClinVar variation 2718719 (VCV002718719.3), dbSNP rs752014250, ClinGen allele CA368120414.